The following is an entry in ClinVar:

ClinVar aggregate classification (germline): Uncertain significance (1 of 4 stars; one submission).

Conditions:
Hereditary cancer-predisposing syndrome. Also called: Neoplastic Syndromes, Hereditary; Tumor predisposition; Hereditary Cancer Syndrome; Hereditary neoplastic syndrome. Identifiers: Orphanet 140162, MedGen C0027672, MeSH D009386, MONDO:0015356.

Submission:

Ambry Genetics
Classification: Uncertain significance for Hereditary cancer-predisposing syndrome. Last evaluated: 2021-09-10. Review status: criteria provided, single submitter. Criteria: Ambry Variant Classification Scheme 2023. Collection method: clinical testing. Allele origin: germline.
Comment: The p.L409V variant (also known as c.1225C>G), located in coding exon 6 of the SMARCA4 gene, results from a C to G substitution at nucleotide position 1225. The leucine at codon 409 is replaced by valine, an amino acid with highly similar properties. This amino acid position is highly conserved in available vertebrate species. In addition, this alteration is predicted to be tolerated by in silico analysis. Missense and in-frame variants in SMARCA4 are known to cause neurodevelopmental disorders; however, such associations with rhabdoid tumor predisposition syndrome including small cell carcinoma of the ovary-hypercalcemic type (SCCOHT) are exceedingly rare (Kosho T et al. Am J Med Genet C Semin Med Genet. 2014 Sep;166C(3):262-75; Jelinic P et al. Nat Genet. 2014 May;46(5):424-6). Since supporting evidence is limited at this time, the clinical significance of this alteration remains unclear.

NM_003072.5(SMARCA4):c.1225C>G (p.Leu409Val)

Gene: SMARCA4 (SWI/SNF related BAF chromatin remodeling complex subunit ATPase 4; plus strand). Cytogenetic location: 19p13.2.
Variant type: single nucleotide variant.
Coding change: c.1225C>G on transcript NM_003072.5 (MANE Select); coding-DNA position 1225, C replaced by G.
Protein change: p.Leu409Val; replaces leucine 409 with valine.
Molecular consequence: missense variant. On other transcripts: non-coding transcript variant (1).
Genome position (GRCh38, 1-based): chr19:10,989,423, C>G. VCF-style: chr19-10989423-C-G. GRCh37 (hg19) VCF-style: chr19-11100099-C-G.
Other names: c.1225C>G, p.Leu409Val (NM_001128844.3, NM_001128845.2, NM_001128846.2 and 6 more transcripts); short protein forms L409V.
Identifiers: ClinVar variation 1754094 (VCV001754094.2), dbSNP rs2145849845, ClinGen allele CA404059768.